The following is an entry in ClinVar:

ClinVar aggregate classification (germline): Uncertain significance (1 of 4 stars; one submission).

Conditions:
Epidermolysis bullosa simplex with nail dystrophy (EBS5D). Identifiers: MedGen C4225309, MONDO:0014661, OMIM 616487.
Epidermolysis bullosa simplex, Ogna type (EBS5A). Also called: Pidermolysis bullosa simplex 5A, Ogna type; EPIDERMOLYSIS BULLOSA SIMPLEX 5A, OGNA TYPE. Identifiers: Orphanet 79401, MedGen C0432317, MONDO:0007555, OMIM 131950.
Autosomal recessive limb-girdle muscular dystrophy type 2Q (LGMDR17). Also called: MUSCULAR DYSTROPHY, LIMB-GIRDLE, AUTOSOMAL RECESSIVE 17. Identifiers: Orphanet 254361, MedGen C3150989, MONDO:0013390, OMIM 613723.
Epidermolysis bullosa simplex 5B, with muscular dystrophy (EBS5B). Also called: EPIDERMOLYSIS BULLOSA SIMPLEX AND LIMB-GIRDLE MUSCULAR DYSTROPHY; Epidermolysis bullosa simplex with muscular dystrophy. Identifiers: Orphanet 257, MedGen C2931072, MONDO:0009181, OMIM 226670.
Epidermolysis bullosa simplex 5C, with pyloric atresia (EBS5C). Also called: PLEC-Related Epidermolysis Bullosa with Pyloric Atresia; Epidermolysis bullosa simplex with pyloric atresia; PLEC1-Related Epidermolysis Bullosa with Pyloric Atresia. Identifiers: Orphanet 158684, MedGen C2677349, MONDO:0012807, OMIM 612138.

Submission:

Labcorp Genetics (formerly Invitae), Labcorp
Classification: Uncertain significance for Autosomal recessive limb-girdle muscular dystrophy type 2Q; Epidermolysis bullosa simplex, Ogna type; Epidermolysis bullosa simplex with nail dystrophy; Epidermolysis bullosa simplex 5C, with pyloric atresia; Epidermolysis bullosa simplex 5B, with muscular dystrophy. Last evaluated: 2024-04-13. Review status: criteria provided, single submitter. Criteria: Invitae Variant Classification Sherloc (09022015). Collection method: clinical testing. Allele origin: germline.
Comment: This sequence change replaces aspartic acid, which is acidic and polar, with glutamic acid, which is acidic and polar, at codon 1252 of the PLEC protein (p.Asp1252Glu). This variant is not present in population databases (gnomAD no frequency). This variant has not been reported in the literature in individuals affected with PLEC-related conditions. Advanced modeling of protein sequence and biophysical properties (such as structural, functional, and spatial information, amino acid conservation, physicochemical variation, residue mobility, and thermodynamic stability) performed at Invitae indicates that this missense variant is not expected to disrupt PLEC protein function with a negative predictive value of 80%. In summary, the available evidence is currently insufficient to determine the role of this variant in disease. Therefore, it has been classified as a Variant of Uncertain Significance.

NM_201384.3(PLEC):c.3675C>A (p.Asp1225Glu)

Gene: PLEC (plectin; minus strand). Cytogenetic location: 8q24.3.
Variant type: single nucleotide variant.
Coding change: c.3675C>A on transcript NM_201384.3 (MANE Select); coding-DNA position 3675, C replaced by A.
Protein change: p.Asp1225Glu; replaces aspartic acid 1225 with glutamic acid.
Molecular consequence: missense variant.
Genome position (GRCh38, 1-based): chr8:143,927,491, G>T on the plus strand (C>A on the coding strand, the complement: PLEC is on the minus strand). VCF-style: chr8-143927491-G-T. GRCh37 (hg19) VCF-style: chr8-145001659-G-T.
Other names: c.3756C>A, p.Asp1252Glu (NM_000445.5, NM_001410941.1); c.3633C>A, p.Asp1211Glu (NM_201378.4); c.3609C>A, p.Asp1203Glu (NM_201379.3); c.4086C>A, p.Asp1362Glu (NM_201380.4); c.3579C>A, p.Asp1193Glu (NM_201381.3); c.3675C>A, p.Asp1225Glu (NM_201382.4); c.3687C>A, p.Asp1229Glu (NM_201383.3); short protein forms D1193E, D1203E, D1211E, D1225E, D1229E, D1252E, D1362E.
Identifiers: ClinVar variation 3755833 (VCV003755833.2).
Genomic context (GRCh38, chr8:143,927,491, plus strand): 5'-CCGCACAGCCTGGCTGTCGGCCAGCGGCATGGCCTGGATCTGCTCCTGCCGCCGCCTGGC[G>T]TCCTGCAGCCAGGCGCCCAAGGGGTCTGCACTCTCGCGGTAGTAACGCAGCTGGCGGCCC-3'
Protein context (NP_958786.1, residues 1215-1235): SADPLGAWLQ[Asp1225Glu]ARRRQEQIQA